The following is an entry in ClinVar:

ClinVar aggregate classification (germline): Likely pathogenic (3 of 4 stars; one submission).

Conditions:
Open-angle glaucoma. Identifiers: MedGen C0017612, MONDO:0005338, HP:0012108.

Submission:

ClinGen Glaucoma Variant Curation Expert Panel
Classification: Likely pathogenic for Open-angle glaucoma. Last evaluated: 2025-11-12. Review status: reviewed by expert panel. Criteria: ClinGen Glaucoma ACMG Specifications V2.0.0 Approved. Collection method: curation. Allele origin: germline. Inheritance: Autosomal dominant inheritance.
Comment: The c.1276G>T variant in MYOC is a missense variant predicted to cause substitution of Valine by Phenylalanine at amino acid 426 (p.Val426Phe). This variant was not found in any genetic ancestry group of gnomAD (v4.1.0), meeting the ≤ 0.0001 threshold set for PM2_Supporting in a genetic ancestry group of at least 10,000 alleles. The REVEL score = 0.764, which was within the 0.644-0.772 range for PP3, predicting a damaging effect on MYOC function. The Val426Phe protein had instability and reduced secretion levels compared to wild type myocilin protein in these studies (PMIDs: 16466712, 21612213, 23129764). The assays met the OddsPath threshold for PS3_Moderate (> 4.3), indicating that this variant did impact protein function. This protein has also been assessed in these other studies (PMIDs: 10545602, 11004290, 16297911), however, the same level of evidence was not met. 26 segregations in 3 families, with juvenile or primary open angle glaucoma (JOAG or POAG), have been reported (PMIDs: 9521427, 9772276, 12671462), which fulfilled PP1_Strong (≥ 7 meioses in > 1 family). 4 probands with JOAG or POAG have been reported carrying this variant (PMIDs: 23922489, 9521427, 9772276, 12671462), which met PS4_Supporting (≥ 2 probands). In summary, this variant met the criteria to receive a score of 9 and to be classified as likely pathogenic (likely pathogenic classification range 6 to 9, adapted from PMID: 32720330) for juvenile open angle glaucoma based on the ACMG/AMP criteria met, as specified by the ClinGen Glaucoma VCEP (v2.0.0, 5 Dec 2024): PP1_Strong, PS3_Moderate, PP3, PS4_Supporting, PM2_Supporting.

Literature cited by the submitters: PubMed 11004290; PubMed 21612213; PubMed 23129764; PubMed 25524706.

NM_000261.2(MYOC):c.1276G>T (p.Val426Phe)

Gene: MYOC (myocilin; minus strand). Cytogenetic location: 1q24.3.
Variant type: single nucleotide variant.
Coding change: c.1276G>T on transcript NM_000261.2 (MANE Select); coding-DNA position 1276, G replaced by T.
Protein change: p.Val426Phe; replaces valine 426 with phenylalanine.
Molecular consequence: missense variant.
Genome position (GRCh38, 1-based): chr1:171,636,164, C>A on the plus strand (G>T on the coding strand, the complement: MYOC is on the minus strand). VCF-style: chr1-171636164-C-A. GRCh37 (hg19) VCF-style: chr1-171605304-C-A.
Other names: NM_000261.2:c.1276G>T; short protein forms V426F.
Identifiers: ClinVar variation 1686782 (VCV001686782.4), dbSNP rs2102944566, ClinGen allele CA343724072.